The following is an entry in ClinVar:

ClinVar aggregate classification (germline): Uncertain significance (1 of 4 stars; one submission).

gnomAD v4.1: 16 of 1,609,670 alleles (0.00099%); highest among the groups gnomAD compares: Middle Eastern, 0.017%; no homozygotes.

Submission:

Labcorp Genetics (formerly Invitae), Labcorp
Classification: Uncertain significance. Last evaluated: 2025-12-21. Review status: criteria provided, single submitter. Criteria: Invitae Variant Classification Sherloc (09022015). Collection method: clinical testing. Allele origin: germline.
Comment: This sequence change replaces arginine, which is basic and polar, with histidine, which is basic and polar, at codon 208 of the FBXO11 protein (p.Arg208His). The frequency data for this variant in the population databases is considered unreliable, as metrics indicate poor data quality at this position in the gnomAD database. This variant has not been reported in the literature in individuals affected with FBXO11-related conditions. An algorithm developed to predict the effect of missense changes on protein structure and function (PolyPhen-2) suggests that this variant is likely to be tolerated. In summary, the available evidence is currently insufficient to determine the role of this variant in disease. Therefore, it has been classified as a Variant of Uncertain Significance.

NM_001190274.2(FBXO11):c.623G>A (p.Arg208His)

Gene: FBXO11 (F-box protein 11; minus strand). Cytogenetic location: 2p16.3.
Variant type: single nucleotide variant.
Coding change: c.623G>A on transcript NM_001190274.2 (MANE Select); coding-DNA position 623, G replaced by A.
Protein change: p.Arg208His; replaces arginine 208 with histidine.
Molecular consequence: missense variant.
Genome position (GRCh38, 1-based): chr2:47,835,966, C>T on the plus strand (G>A on the coding strand, the complement: FBXO11 is on the minus strand). VCF-style: chr2-47835966-C-T. GRCh37 (hg19) VCF-style: chr2-48063105-C-T.
Other names: c.371G>A, p.Arg124His (NM_001374325.1, NM_025133.4); short protein forms R124H, R208H.
Identifiers: ClinVar variation 4700356 (VCV004700356.1).
Genomic context (GRCh38, chr2:47,835,966, plus strand): 5'-TGTTCATACTCTTCTGGATTAATCTGGTAGAATTTTCCAGGTTCAGGATGCATCATAGGG[C>T]GAGTATATTCAAATACTTCCATATATAATCGTTTCCTGAACAGAGAAAGGAATTAAAATT-3'
Protein context (NP_001177203.1, residues 198-218): RLYMEVFEYT[Arg208His]PMMHPEPGKF